The following is an entry in ClinVar:

ClinVar aggregate classification (germline): Uncertain significance (1 of 4 stars; one submission).

Conditions:
Metachromatic leukodystrophy (MLD). Also called: ARSA DEFICIENCY; CEREBROSIDE SULFATASE DEFICIENCY; METACHROMATIC LEUKOENCEPHALOPATHY; SULFATIDE LIPIDOSIS; Cerebral sclerosis diffuse metachromatic form; Arylsulfatase A Deficiency. Identifiers: Orphanet 512, MedGen C0023522, MONDO:0018868, OMIM 250100.

Submission:

Department of Molecular Genetics, Istishari Arab Hospital
Classification: Uncertain significance for Metachromatic leukodystrophy. Last evaluated: 2026-07-21. Review status: criteria provided, single submitter. Criteria: ACMG Guidelines, 2015. Collection method: clinical testing. Allele origin: germline. Inheritance: Autosomal recessive inheritance. Affected: yes.
Comment: The ARSA variant c.1006C>G, p.Leu336Val causes an amino acid change from Leu to Val at position 336. This variant was observed with very low frequency in the gnomAD v4.1.0 dataset (<0.001), and to the best of our knowledge, it was not previously reported in the literature. A different amino acid change at the same position was previously detected in patients with autosomal recessive Metachromatic leukodystrophy (PMID: 32632536). It is classified as a variant of uncertain significance based on the implementation of the ACMG/AMP/ClinGen SVI guidelines.

Literature cited by the submitters: PubMed 32632536.

NM_000487.6(ARSA):c.1006C>G (p.Leu336Val)

Gene: ARSA (arylsulfatase A; minus strand). Cytogenetic location: 22q13.33.
Variant type: single nucleotide variant.
Coding change: c.1006C>G on transcript NM_000487.6 (MANE Select); coding-DNA position 1006, C replaced by G.
Protein change: p.Leu336Val; replaces leucine 336 with valine.
Molecular consequence: missense variant.
Genome position (GRCh38, 1-based): chr22:50,626,037, G>C on the plus strand (C>G on the coding strand, the complement: ARSA is on the minus strand). VCF-style: chr22-50626037-G-C. GRCh37 (hg19) VCF-style: chr22-51064465-G-C.
Other names: p.Leu336Val; c.1006C>G, p.Leu336Val (NM_001085425.3, NM_001085426.3, NM_001085427.3); c.748C>G, p.Leu250Val (NM_001085428.3, NM_001362782.2); short protein forms L250V, L336V.
Identifiers: ClinVar variation 4880010 (VCV004880010.1).